The following is an entry in ClinVar:

NM_001378615.1(CC2D2A):c.4555T>C (p.Trp1519Arg)

Genes: CC2D2A (coiled-coil and C2 domain containing 2A; plus strand), FBXL5 (F-box and leucine rich repeat protein 5; minus strand). Cytogenetic location: 4p15.32.
Variant type: single nucleotide variant.
Coding change: c.4555T>C on transcript NM_001378615.1 (MANE Select); coding-DNA position 4555, T replaced by C.
Protein change: p.Trp1519Arg; replaces tryptophan 1519 with arginine.
Molecular consequence: missense variant.
Genome position (GRCh38, 1-based): chr4:15,599,587, T>C. VCF-style: chr4-15599587-T-C. GRCh37 (hg19) VCF-style: chr4-15601210-T-C.
Other names: c.4555T>C, p.Trp1519Arg (NM_001080522.2); c.4408T>C, p.Trp1470Arg (NM_001378617.1); short protein forms W1470R, W1519R.
Identifiers: ClinVar variation 982095 (VCV000982095.5), dbSNP rs1577406415, ClinGen allele CA356433912.
Genomic context (GRCh38, chr4:15,599,587, plus strand): 5'-AGGATTGAAAAAATACTAAAAGAAAAAATCATGGACTGGAGGCCACGCCATCTGACTCGG[T>C]GGAATAGGTATTGTACCTCTACTCTGCGTCACTTCTTGCCTCTGTTAGAAAAAAGTCAAG-3'
Protein context (NP_001365544.1, residues 1509-1529): MDWRPRHLTR[Trp1519Arg]NRYCTSTLRH

ClinVar aggregate classification (germline): Pathogenic/Likely pathogenic. Review status: criteria provided, multiple submitters, no conflicts (2 of 4 stars). 4 submissions from 4 submitters: Pathogenic (1); Likely pathogenic (3). Last evaluated 2025-04-30.

Conditions:
Joubert syndrome 10 (JBTS10). Identifiers: Orphanet 2754, MedGen C2749019, MONDO:0010431, OMIM 300804.
Meckel syndrome, type 6. Identifiers: Orphanet 564, MedGen C2676790, MONDO:0012848, OMIM 612284.

Submissions (4):

Women's Health and Genetics/Laboratory Corporation of America, LabCorp
Classification: Likely pathogenic for Meckel syndrome, type 6. Last evaluated: 2025-04-30. Review status: criteria provided, single submitter. Criteria: LabCorp Variant Classification Summary - May 2015. Collection method: clinical testing. Allele origin: germline.
Comment: Variant summary: CC2D2A c.4555T>C (p.Trp1519Arg) results in a non-conservative amino acid change in the encoded protein sequence. Three of three in-silico tools predict a damaging effect of the variant on protein function. The variant was absent in 246994 control chromosomes. c.4555T>C has been observed in homozygous or compound heterozygous individual(s) affected with Meckel Syndrome Type 6 (Shaheen_2015, AlAbdi_2023). These data indicate that the variant is likely to be associated with disease. To our knowledge, no experimental evidence demonstrating an impact on protein function has been reported. The following publications have been ascertained in the context of this evaluation (PMID: 37644014, 26123494, 34645488). ClinVar contains an entry for this variant (Variation ID: 982095). Based on the evidence outlined above, the variant was classified as likely pathogenic.

Genomic Medicine Center of Excellence, King Faisal Specialist Hospital and Research Centre
Classification: Pathogenic for Joubert syndrome 10. Last evaluated: 2024-03-14. Review status: criteria provided, single submitter. Criteria: ACMG Guidelines, 2015. Collection method: clinical testing. Allele origin: germline.

Baylor Genetics
Classification: Likely pathogenic for Meckel syndrome, type 6. Last evaluated: 2019-12-24. Review status: criteria provided, single submitter. Criteria: ACMG Guidelines, 2015. Collection method: clinical testing. Allele origin: unknown. Affected: yes.
Comment: This variant was determined to be likely pathogenic according to ACMG Guidelines, 2015 [PMID:25741868].

Pathology and Clinical Laboratory Medicine, King Fahad Medical City
Classification: Likely pathogenic for Meckel syndrome, type 6. Review status: criteria provided, single submitter. Criteria: ACMG Guidelines, 2015. Collection method: clinical testing. Allele origin: germline. Affected: yes. Observed: 1 variant allele.

Literature cited by the submitters: PubMed 34645488 (cited by Women's Health and Genetics/Laboratory Corporation of America, LabCorp); PubMed 26123494 (cited by Women's Health and Genetics/Laboratory Corporation of America, LabCorp); PubMed 37644014 (cited by Women's Health and Genetics/Laboratory Corporation of America, LabCorp).